The following is an entry in ClinVar:

ClinVar aggregate classification (germline): Uncertain significance. Review status: criteria provided, multiple submitters, no conflicts (2 of 4 stars). 3 submissions from 3 submitters: Uncertain significance (3). Last evaluated 2025-09-04.

Conditions:
Polycystic kidney disease, adult type (PKD1). Also called: POLYCYSTIC KIDNEY DISEASE, ADULT, TYPE I; Polycystic Kidney, Autosomal Dominant; POLYCYSTIC KIDNEY DISEASE 1 WITH OR WITHOUT POLYCYSTIC LIVER DISEASE; Polycystic Kidney Disease 1, Autosomal Dominant; Polycystic kidney disease 1; Polycystic kidney disease 1, severe. Identifiers: MedGen C3149841, MONDO:0008263, OMIM 173900.

Allele frequency attached by ClinVar (database versions not stated): TOPMed 0.00001; gnomAD 0.00003; ExAC 0.00004; gnomAD exomes 0.00004 and 0.00005; ESP Exome Variant Server 0.00008.
gnomAD v4.1: 59 of 1,563,146 alleles (0.0038%); highest among the groups gnomAD compares: Middle Eastern, 0.023%; no homozygotes.

Submissions (3):

Victorian Clinical Genetics Services, Murdoch Childrens Research Institute
Classification: Uncertain significance for Polycystic kidney disease, adult type. Last evaluated: 2025-09-04. Review status: criteria provided, single submitter. Criteria: ACMG Guidelines, 2015. Collection method: clinical testing. Allele origin: germline. Affected: yes.
Comment: This variant is classified as VUS-3B. Evidence in support of pathogenic classification: Variant is present in gnomAD <0.001 for a dominant condition (v4: 59 heterozygote(s), 0 homozygote(s)); Missense variant consistently predicted to be damaging by multiple in silico tools or highly conserved with a major amino acid change. Additional information: Variant is predicted to result in a missense amino acid change from arginine to cysteine; This variant is heterozygous; This gene is associated with autosomal dominant disease. Polycystic kidney disease 1 (MIM#173900) is predominantly caused by monoallelic variants, with rare reports of biallelic variants causing disease (OMIM); An alternative amino acid change at the same position has been observed in gnomAD (v4: 14 heterozygote(s), 0 homozygote(s)); Previous evidence of pathogenicity for this variant is inconclusive. This variant has been previously reported as VUS by a diagnostic laboratory (ClinVar). In addition, it has been detected in two unrelated patients with cystic kidney disease: one individual who also harboured a hypomorphic pathogenic allele in trans with this variant, and one heterozygous individual (VCGS cohort); No published segregation evidence has been identified for this variant; No published functional evidence has been identified for this variant; Another missense variant comparable to the one identified in this case has inconclusive previous evidence for pathogenicity. p.(Arg3272His) has been classified as a VUS (ClinVar) and was also identified in a patient with prenatal polycystic kidney disease who also had a frameshift variant in PKD1 (PMID: 26139440); Variant is not located in an established domain, motif, hotspot or informative constraint region; Loss of function is a known mechanism of disease in this gene and is associated with polycystic kidney disease 1 (MIM#173900); Inheritance information for this variant is not currently available in this individual.

Department of Pathology and Laboratory Medicine, Sinai Health System
Classification: Uncertain significance for Polycystic kidney disease, adult type. Last evaluated: 2024-12-12. Review status: criteria provided, single submitter. Criteria: ACMG Guidelines, 2015. Collection method: clinical testing. Allele origin: germline.

Blueprint Genetics
Classification: Uncertain significance. Last evaluated: 2021-11-05. Review status: criteria provided, single submitter. Criteria: ACMG Guidelines, 2015. Collection method: clinical testing. Allele origin: germline.

Literature cited by the submitters: PubMed 26139440 (cited by Victorian Clinical Genetics Services, Murdoch Childrens Research Institute).

NM_001009944.3(PKD1):c.9814C>T (p.Arg3272Cys)

Gene: PKD1 (polycystin 1, transient receptor potential channel interacting; minus strand). Cytogenetic location: 16p13.3.
Variant type: single nucleotide variant.
Coding change: c.9814C>T on transcript NM_001009944.3 (MANE Select); coding-DNA position 9814, C replaced by T.
Protein change: p.Arg3272Cys; replaces arginine 3272 with cysteine.
Molecular consequence: missense variant.
Genome position (GRCh38, 1-based): chr16:2,099,970, G>A on the plus strand (C>T on the coding strand, the complement: PKD1 is on the minus strand). VCF-style: chr16-2099970-G-A. GRCh37 (hg19) VCF-style: chr16-2149971-G-A.
Other names: c.9814C>T, p.Arg3272Cys (NM_000296.4); short protein forms R3272C.
Identifiers: ClinVar variation 975068 (VCV000975068.8), dbSNP rs143453080, ClinGen allele CA7829912.